The following is an entry in ClinVar:

ClinVar aggregate classification (germline): Uncertain significance. Review status: criteria provided, multiple submitters, no conflicts (2 of 4 stars). 2 submissions from 2 submitters: Uncertain significance (2). Last evaluated 2025-12-22.

Allele frequency attached by ClinVar (database versions not stated): ExAC 0.00002; gnomAD 0.00002; TOPMed 0.00002; gnomAD exomes 0.00004; ESP Exome Variant Server 0.00023.
gnomAD v4.1: 54 of 1,614,042 alleles (0.0033%); highest among the groups gnomAD compares: Non-Finnish European, 0.0045%; no homozygotes.

Submissions (2):

Labcorp Genetics (formerly Invitae), Labcorp
Classification: Uncertain significance. Last evaluated: 2025-12-22. Review status: criteria provided, single submitter. Criteria: Invitae Variant Classification Sherloc (09022015). Collection method: clinical testing. Allele origin: germline.
Comment: This sequence change replaces proline, which is neutral and non-polar, with serine, which is neutral and polar, at codon 1582 of the COL7A1 protein (p.Pro1582Ser). This variant is present in population databases (rs146418495, gnomAD 0.004%). This variant has not been reported in the literature in individuals affected with COL7A1-related conditions. ClinVar contains an entry for this variant (Variation ID: 2158442). Invitae Evidence Modeling of protein sequence and biophysical properties (such as structural, functional, and spatial information, amino acid conservation, physicochemical variation, residue mobility, and thermodynamic stability) indicates that this missense variant is not expected to disrupt COL7A1 protein function with a negative predictive value of 95%. In summary, the available evidence is currently insufficient to determine the role of this variant in disease. Therefore, it has been classified as a Variant of Uncertain Significance.

GeneDx
Classification: Uncertain significance. Last evaluated: 2023-07-07. Review status: criteria provided, single submitter. Criteria: GeneDx Variant Classification Process June 2021. Collection method: clinical testing. Allele origin: germline. Affected: yes.
Comment: Not observed at significant frequency in large population cohorts (gnomAD); In silico analysis supports that this missense variant has a deleterious effect on protein structure/function; Has not been previously published as pathogenic or benign to our knowledge

NM_000094.4(COL7A1):c.4744C>T (p.Pro1582Ser)

Gene: COL7A1 (collagen type VII alpha 1 chain; minus strand). Cytogenetic location: 3p21.31.
Variant type: single nucleotide variant.
Coding change: c.4744C>T on transcript NM_000094.4 (MANE Select); coding-DNA position 4744, C replaced by T.
Protein change: p.Pro1582Ser; replaces proline 1582 with serine.
Molecular consequence: missense variant.
Genome position (GRCh38, 1-based): chr3:48,581,611, G>A on the plus strand (C>T on the coding strand, the complement: COL7A1 is on the minus strand). VCF-style: chr3-48581611-G-A. GRCh37 (hg19) VCF-style: chr3-48619044-G-A.
Other names: short protein forms P1582S.
Identifiers: ClinVar variation 2158442 (VCV002158442.5), dbSNP rs146418495, ClinGen allele CA2379862.
Genomic context (GRCh38, chr3:48,581,611, plus strand): 5'-CCCCATTCCCACATTGATTCACCCGGTCTCCAGGGTCTCCCTTGGGGCCAGGGTCTCCAG[G>A]AAGAACCAAGCCGGGTGGGCCCTGTGGATGGAAGGATAAGAAGTCAGGAAGACAACCTTC-3'
Protein context (NP_000085.1, residues 1572-1592): GERGPPGLVL[Pro1582Ser]GDPGPKGDPG